The following is an entry in ClinVar:

ClinVar aggregate classification (germline): Uncertain significance. Review status: criteria provided, multiple submitters, no conflicts (2 of 4 stars). 2 submissions from 2 submitters: Uncertain significance (2). Last evaluated 2025-05-01.

Conditions:
Hereditary cancer-predisposing syndrome. Also called: Tumor predisposition; Neoplastic Syndromes, Hereditary; Hereditary neoplastic syndrome; Hereditary Cancer Syndrome. Identifiers: Orphanet 140162, MedGen C0027672, MeSH D009386, MONDO:0015356.
Ataxia-telangiectasia syndrome (AT). Also called: Ataxia-telangiectasia, complementation group D; AT, COMPLEMENTATION GROUP C; ATAXIA-TELANGIECTASIA, COMPLEMENTATION GROUP A; ATAXIA-TELANGIECTASIA, FRESNO VARIANT; Ataxia-telangiectasia; Ataxia telangiectasia (A-T). Identifiers: Orphanet 100, MedGen C0004135, MONDO:0008840, OMIM 208900.

gnomAD v4.1: 1 of 1,611,786 alleles (0.000062%); no homozygotes.

Submissions (2):

Ambry Genetics
Classification: Uncertain significance for Hereditary cancer-predisposing syndrome. Last evaluated: 2025-05-01. Review status: criteria provided, single submitter. Criteria: Ambry Variant Classification Scheme 2023. Collection method: clinical testing. Allele origin: germline.
Comment: The p.H2872Q variant (also known as c.8616T>A), located in coding exon 58 of the ATM gene, results from a T to A substitution at nucleotide position 8616. The histidine at codon 2872 is replaced by glutamine, an amino acid with highly similar properties. This amino acid position is highly conserved in available vertebrate species. In addition, this alteration is predicted to be deleterious by in silico analysis. Based on the available evidence, the clinical significance of this variant remains unclear.

Labcorp Genetics (formerly Invitae), Labcorp
Classification: Uncertain significance for Ataxia-telangiectasia syndrome. Last evaluated: 2019-10-27. Review status: criteria provided, single submitter. Criteria: Invitae Variant Classification Sherloc (09022015). Collection method: clinical testing. Allele origin: germline.
Comment: This variant has not been reported in the literature in individuals with ATM-related conditions. Algorithms developed to predict the effect of missense changes on protein structure and function are either unavailable or do not agree on the potential impact of this missense change (SIFT: "Deleterious"; PolyPhen-2: "Probably Damaging"; Align-GVGD: "Class C15"). In summary, the available evidence is currently insufficient to determine the role of this variant in disease. Therefore, it has been classified as a Variant of Uncertain Significance. This sequence change replaces histidine with glutamine at codon 2872 of the ATM protein (p.His2872Gln). The histidine residue is highly conserved and there is a small physicochemical difference between histidine and glutamine. This variant is not present in population databases (ExAC no frequency).

NM_000051.4(ATM):c.8616T>A (p.His2872Gln)

Genes: ATM (ATM serine/threonine kinase; plus strand), C11orf65 (chromosome 11 open reading frame 65; minus strand). Cytogenetic location: 11q22.3.
Variant type: single nucleotide variant.
Coding change: c.8616T>A on transcript NM_000051.4 (MANE Select); coding-DNA position 8616, T replaced by A.
Protein change: p.His2872Gln; replaces histidine 2872 with glutamine.
Molecular consequence: missense variant. On other transcripts: intron variant (2).
Genome position (GRCh38, 1-based): chr11:108,347,310, T>A. VCF-style: chr11-108347310-T-A. GRCh37 (hg19) VCF-style: chr11-108218037-T-A.
Other names: c.8616T>A, p.His2872Gln (NM_001351834.2); c.641-38239A>T (NM_001330368.2); c.695-12018A>T (NM_001351110.2); short protein forms H2872Q.
Identifiers: ClinVar variation 965450 (VCV000965450.11), dbSNP rs1555139556, ClinGen allele CA382520678.